The following is an entry in ClinVar:

ClinVar aggregate classification (germline): Likely benign. Review status: criteria provided, multiple submitters, no conflicts (2 of 4 stars). 3 submissions from 3 submitters: Likely benign (3). Last evaluated 2024-04-02.

Conditions:
Cardiovascular phenotype. Identifiers: MedGen CN230736.
Dilated cardiomyopathy 1W (CMD1W). Identifiers: Orphanet 154, MedGen C1969639, MONDO:0012667, OMIM 611407.

gnomAD v4.1: 3 of 1,614,032 alleles (0.00019%); highest among the groups gnomAD compares: Non-Finnish European, 0.00025%; no homozygotes.

Submissions (3):

Labcorp Genetics (formerly Invitae), Labcorp
Classification: Likely benign for Dilated cardiomyopathy 1W. Last evaluated: 2024-04-02. Review status: criteria provided, single submitter. Criteria: Invitae Variant Classification Sherloc (09022015). Collection method: clinical testing. Allele origin: germline.

Ambry Genetics
Classification: Likely benign for Cardiovascular phenotype. Last evaluated: 2023-03-26. Review status: criteria provided, single submitter. Criteria: Ambry Variant Classification Scheme 2023. Collection method: clinical testing. Allele origin: germline.

GeneDx
Classification: Likely benign. Last evaluated: 2018-01-25. Review status: criteria provided, single submitter. Criteria: GeneDx Variant Classification (06012015). Collection method: clinical testing. Allele origin: germline. Affected: yes.
Comment: This variant is considered likely benign or benign based on one or more of the following criteria: it is a conservative change, it occurs at a poorly conserved position in the protein, it is predicted to be benign by multiple in silico algorithms, and/or has population frequency not consistent with disease.

NM_014000.3(VCL):c.2275C>A (p.Arg759=)

Gene: VCL (vinculin; plus strand). Cytogenetic location: 10q22.2.
Variant type: single nucleotide variant.
Coding change: c.2275C>A on transcript NM_014000.3 (MANE Select); coding-DNA position 2275, C replaced by A.
Protein change: p.Arg759=; no amino-acid change (arginine 759 retained).
Molecular consequence: synonymous variant.
Genome position (GRCh38, 1-based): chr10:74,105,194, C>A. VCF-style: chr10-74105194-C-A. GRCh37 (hg19) VCF-style: chr10-75864952-C-A.
Other names: c.2275C>A, p.Arg759= (NM_003373.4).
Identifiers: ClinVar variation 515153 (VCV000515153.9), dbSNP rs774477633, ClinGen allele CA5563186.